The following is an entry in ClinVar:

ClinVar aggregate classification (germline): Pathogenic (1 of 4 stars; one submission).

Conditions:
Megalencephalic leukoencephalopathy with subcortical cysts 2B, remitting, with or without impaired intellectual development. Also called: Megalencephalic leukoencephalopathy with subcortical cysts 2B, remitting, with or without intellectual disability. Identifiers: Orphanet 2478, MedGen C3151356, MONDO:0013491, OMIM 613926.

Submission:

Victorian Clinical Genetics Services, Murdoch Childrens Research Institute
Classification: Pathogenic for Megalencephalic leukoencephalopathy with subcortical cysts 2B, remitting, with or without impaired intellectual development. Last evaluated: 2025-06-25. Review status: criteria provided, single submitter. Criteria: ACMG Guidelines, 2015. Collection method: clinical testing. Allele origin: germline. Affected: yes.
Comment: This variant is classified as Pathogenic. Evidence in support of pathogenic classification: Variant is absent from gnomAD (v2, v3 and v4); This variant has limited previous evidence of pathogenicity in an individual. This variant was reported likely pathogenic in an individual with autosomal dominant megalencephalic leukoencephalopathy with subcortical cysts (PMID:38487253); Other missense variant(s) comparable to the one identified in this case have very strong previous evidence for pathogenicity. p.(Gly89Ser) has been reported pathogenic/likely pathogenic by five clinical laboratories in ClinVar. Additionally, seven unrelated individuals have been reported with either p.(Gly89Ser) or p.(Gly89Asp) with autosomal dominant megalencephalic leukoencephalopathy with subcortical cysts, including two who were de novo for the p.(Gly89Ser) variant (PMID:21419380); Missense variant predicted to be damaging by in silico tool(s) or highly conserved with a major amino acid change. Additional information: Variant is predicted to result in a missense amino acid change from Gly to Arg; This variant is heterozygous; This gene is associated with both recessive and dominant disease. Bialleleic inheritance is typically more severe with earlier onset; typlically in the first year of life (OMIM); Alternative amino acid change(s) at the same position are present in gnomAD (v4: 5 heterozygote(s), 0 homozygote(s)); No published evidence of segregation with disease has been identified for this variant; No published functional evidence has been identified for this variant; Variant is located in the annotated Immunoglobulin V-set domain (DECIPHER); Dominant negative and loss of function are known mechanisms of disease in this gene and are associated with disease. Recessive LoF variants are associated megalencephalic leukoencephalopathy with subcortical cysts 2A (MIM#613925). Dominant variants have been found to interfere with normal protein function and act in a dominant negative manner (PMID:31960914). - Variants in this gene are known to have variable expressivity. Dominant variants can cause either macrocephaly and intellectual disability with out without autism or benign familial macrocephaly (PMID:21419380); Inheritance information for this variant is not currently available in this individual.

Literature cited by the submitters: PubMed 21419380; PubMed 38487253; PubMed 31960914.

NM_152722.5(HEPACAM):c.265G>C (p.Gly89Arg)

Gene: HEPACAM (hepatic and glial cell adhesion molecule; minus strand). Cytogenetic location: 11q24.2.
Variant type: single nucleotide variant.
Coding change: c.265G>C on transcript NM_152722.5 (MANE Select); coding-DNA position 265, G replaced by C.
Protein change: p.Gly89Arg; replaces glycine 89 with arginine.
Molecular consequence: missense variant.
Genome position (GRCh38, 1-based): chr11:124,924,890, C>G on the plus strand (G>C on the coding strand, the complement: HEPACAM is on the minus strand). VCF-style: chr11-124924890-C-G. GRCh37 (hg19) VCF-style: chr11-124794786-C-G.
Other names: c.265G>C, p.Gly89Arg (NM_001411043.1, NM_001441320.1); short protein forms G89R.
Identifiers: ClinVar variation 4531823 (VCV004531823.1).